The following is an entry in ClinVar:

ClinVar aggregate classification (germline): Uncertain significance. Review status: criteria provided, multiple submitters, no conflicts (2 of 4 stars). 2 submissions from 2 submitters: Uncertain significance (2). Last evaluated 2024-11-27.

Conditions:
Hereditary cancer-predisposing syndrome. Also called: Hereditary Cancer Syndrome; Hereditary neoplastic syndrome; Neoplastic Syndromes, Hereditary; Tumor predisposition. Identifiers: Orphanet 140162, MedGen C0027672, MeSH D009386, MONDO:0015356.
Oligodontia-cancer predisposition syndrome. Also called: TOOTH AGENESIS-COLORECTAL CANCER SYNDROME. Identifiers: Orphanet 300576, MedGen C1837750, MONDO:0012075, OMIM 608615. Disease mechanism: loss of function.

Submissions (2):

Labcorp Genetics (formerly Invitae), Labcorp
Classification: Uncertain significance for Oligodontia-cancer predisposition syndrome. Last evaluated: 2024-11-27. Review status: criteria provided, single submitter. Criteria: Invitae Variant Classification Sherloc (09022015). Collection method: clinical testing. Allele origin: germline.
Comment: This sequence change replaces glutamic acid, which is acidic and polar, with aspartic acid, which is acidic and polar, at codon 184 of the AXIN2 protein (p.Glu184Asp). This variant is not present in population databases (gnomAD no frequency). This variant has not been reported in the literature in individuals affected with AXIN2-related conditions. ClinVar contains an entry for this variant (Variation ID: 1748109). Invitae Evidence Modeling of protein sequence and biophysical properties (such as structural, functional, and spatial information, amino acid conservation, physicochemical variation, residue mobility, and thermodynamic stability) indicates that this missense variant is not expected to disrupt AXIN2 protein function with a negative predictive value of 80%. In summary, the available evidence is currently insufficient to determine the role of this variant in disease. Therefore, it has been classified as a Variant of Uncertain Significance.

Ambry Genetics
Classification: Uncertain significance for Hereditary cancer-predisposing syndrome. Last evaluated: 2021-08-15. Review status: criteria provided, single submitter. Criteria: Ambry Variant Classification Scheme 2023. Collection method: clinical testing. Allele origin: germline.
Comment: The p.E184D variant (also known as c.552A>C), located in coding exon 1 of the AXIN2 gene, results from an A to C substitution at nucleotide position 552. The glutamic acid at codon 184 is replaced by aspartic acid, an amino acid with highly similar properties. This amino acid position is conserved. In addition, this alteration is predicted to be tolerated by in silico analysis. Since supporting evidence is limited at this time, the clinical significance of this alteration remains unclear.

NM_004655.4(AXIN2):c.552A>C (p.Glu184Asp)

Gene: AXIN2 (axin 2; minus strand). Cytogenetic location: 17q24.1.
Variant type: single nucleotide variant.
Coding change: c.552A>C on transcript NM_004655.4 (MANE Select); coding-DNA position 552, A replaced by C.
Protein change: p.Glu184Asp; replaces glutamic acid 184 with aspartic acid.
Molecular consequence: missense variant.
Genome position (GRCh38, 1-based): chr17:65,558,069, T>G on the plus strand (A>C on the coding strand, the complement: AXIN2 is on the minus strand). VCF-style: chr17-65558069-T-G. GRCh37 (hg19) VCF-style: chr17-63554187-T-G.
Other names: c.552A>C, p.Glu184Asp (NM_001363813.1); short protein forms E184D.
Identifiers: ClinVar variation 1748109 (VCV001748109.4), dbSNP rs1445180364, ClinGen allele CA400680917.